The following is an entry in ClinVar:

ClinVar aggregate classification (germline): Uncertain significance. Review status: criteria provided, multiple submitters, no conflicts (2 of 4 stars). 2 submissions from 2 submitters: Uncertain significance (2). Last evaluated 2026-02-02.

Allele frequency attached by ClinVar (database versions not stated): gnomAD 0.00016; gnomAD exomes 0.00018 and 0.00023; TOPMed 0.00022; ExAC 0.00029; ESP Exome Variant Server 0.00038.
gnomAD v4.1: 350 of 1,612,060 alleles (0.022%); highest among the groups gnomAD compares: Non-Finnish European, 0.028%; no homozygotes.

Submissions (2):

Labcorp Genetics (formerly Invitae), Labcorp
Classification: Uncertain significance. Last evaluated: 2026-02-02. Review status: criteria provided, single submitter. Criteria: Invitae Variant Classification Sherloc (09022015). Collection method: clinical testing. Allele origin: germline.
Comment: This sequence change replaces leucine, which is neutral and non-polar, with phenylalanine, which is neutral and non-polar, at codon 12 of the PSMG2 protein (p.Leu12Phe). This variant is present in population databases (rs138672454, gnomAD 0.03%). This variant has not been reported in the literature in individuals affected with PSMG2-related conditions. ClinVar contains an entry for this variant (Variation ID: 1021747). An algorithm developed to predict the effect of missense changes on protein structure and function outputs the following: PolyPhen-2: "Benign". The phenylalanine amino acid residue is found in multiple mammalian species, which suggests that this missense change does not adversely affect protein function. In summary, the available evidence is currently insufficient to determine the role of this variant in disease. Therefore, it has been classified as a Variant of Uncertain Significance.

Ambry Genetics
Classification: Uncertain significance. Last evaluated: 2025-01-27. Review status: criteria provided, single submitter. Criteria: Ambry Variant Classification Scheme 2023. Collection method: clinical testing. Allele origin: germline.

NM_020232.5(PSMG2):c.34C>T (p.Leu12Phe)

Gene: PSMG2 (proteasome assembly chaperone 2; plus strand). Cytogenetic location: 18p11.21.
Variant type: single nucleotide variant.
Coding change: c.34C>T on transcript NM_020232.5 (MANE Select); coding-DNA position 34, C replaced by T.
Protein change: p.Leu12Phe; replaces leucine 12 with phenylalanine.
Molecular consequence: missense variant. On other transcripts: intron variant (1).
Genome position (GRCh38, 1-based): chr18:12,703,141, C>T. VCF-style: chr18-12703141-C-T. GRCh37 (hg19) VCF-style: chr18-12703140-C-T.
Other names: c.34C>T (NM_020232.4); c.-36-3409C>T (NM_147163.2); short protein forms L12F.
Identifiers: ClinVar variation 1021747 (VCV001021747.8), dbSNP rs138672454, ClinGen allele CA8898269.